The following is an entry in ClinVar:

ClinVar aggregate classification (germline): Pathogenic. Review status: criteria provided, multiple submitters, no conflicts (2 of 4 stars). 2 submissions from 2 submitters: Pathogenic (2). Last evaluated 2023-07-17.

Conditions:
RS1-related disorder. Also called: RS1-related condition.

Submissions (2):

Labcorp Genetics (formerly Invitae), Labcorp
Classification: Pathogenic. Last evaluated: 2023-07-17. Review status: criteria provided, single submitter. Criteria: Invitae Variant Classification Sherloc (09022015). Collection method: clinical testing. Allele origin: germline.
Comment: This sequence change replaces glycine, which is neutral and non-polar, with arginine, which is basic and polar, at codon 109 of the RS1 protein (p.Gly109Arg). This variant is not present in population databases (gnomAD no frequency). This missense change has been observed in individuals with X-linked retinoschisis (RS) (PMID: 9326935, 10234514, 15937075). ClinVar contains an entry for this variant (Variation ID: 940378). An algorithm developed to predict the effect of missense changes on protein structure and function (PolyPhen-2) suggests that this variant is likely to be disruptive. Experimental studies have shown that this missense change affects RS1 function (PMID: 12417531). For these reasons, this variant has been classified as Pathogenic.

Blueprint Genetics
Classification: Pathogenic for RS1-related disorders. Last evaluated: 2019-08-30. Review status: criteria provided, single submitter. Criteria: ACMG Guidelines, 2015. Collection method: clinical testing. Allele origin: germline. Affected: yes. Observed: 1 variant allele.

Literature cited by the submitters: PubMed 9326935 (cited by Labcorp Genetics (formerly Invitae), Labcorp); PubMed 10234514 (cited by Labcorp Genetics (formerly Invitae), Labcorp); PubMed 15937075 (cited by Labcorp Genetics (formerly Invitae), Labcorp); PubMed 12417531 (cited by Labcorp Genetics (formerly Invitae), Labcorp).

NM_000330.4(RS1):c.325G>A (p.Gly109Arg)

Genes: CDKL5 (cyclin dependent kinase like 5; plus strand), RS1 (retinoschisin 1; minus strand). Cytogenetic location: Xp22.13.
Variant type: single nucleotide variant.
Coding change: c.325G>A on transcript NM_000330.4 (MANE Select); coding-DNA position 325, G replaced by A.
Protein change: p.Gly109Arg; replaces glycine 109 with arginine.
Molecular consequence: missense variant. On other transcripts: intron variant (2).
Genome position (GRCh38, 1-based): chrX:18,647,192, C>T on the plus strand (G>A on the coding strand, the complement: RS1 is on the minus strand). VCF-style: chrX-18647192-C-T. GRCh37 (hg19) VCF-style: chrX-18665312-C-T.
Other names: c.2797+1102C>T (NM_003159.3, NM_001037343.2); short protein forms G109R.
Identifiers: ClinVar variation 940378 (VCV000940378.11), dbSNP rs104894934, ClinGen allele CA412372642.